The following is an entry in ClinVar:

NM_007373.4(SHOC2):c.515G>A (p.Arg172Gln)

Gene: SHOC2 (SHOC2 leucine rich repeat scaffold protein; plus strand). Cytogenetic location: 10q25.2.
Variant type: single nucleotide variant.
Coding change: c.515G>A on transcript NM_007373.4 (MANE Select); coding-DNA position 515, G replaced by A.
Protein change: p.Arg172Gln; replaces arginine 172 with glutamine.
Molecular consequence: missense variant.
Genome position (GRCh38, 1-based): chr10:110,964,873, G>A. VCF-style: chr10-110964873-G-A. GRCh37 (hg19) VCF-style: chr10-112724631-G-A.
Other names: c.515G>A, p.Arg172Gln (NM_001269039.3, NM_001324336.2, NM_001324337.2); short protein forms R172Q.
Identifiers: ClinVar variation 1955903 (VCV001955903.6), dbSNP rs1333953583, ClinGen allele CA378385780.

ClinVar aggregate classification (germline): Uncertain significance (1 of 4 stars; one submission).

Conditions:
RASopathy. Also called: Noonan spectrum disorder; rasopathies. Identifiers: Orphanet 536391, MedGen C5555857, MONDO:0021060.

Allele frequency attached by ClinVar (database versions not stated): gnomAD exomes below 0.00001.
gnomAD v4.1: 2 of 1,613,904 alleles (0.00012%); highest among the groups gnomAD compares: Non-Finnish European, 0.00017%; no homozygotes.

Submission:

Labcorp Genetics (formerly Invitae), Labcorp
Classification: Uncertain significance for RASopathy. Last evaluated: 2025-06-08. Review status: criteria provided, single submitter. Criteria: Invitae Variant Classification Sherloc (09022015). Collection method: clinical testing. Allele origin: germline.
Comment: This sequence change replaces arginine, which is basic and polar, with glutamine, which is neutral and polar, at codon 172 of the SHOC2 protein (p.Arg172Gln). This variant is present in population databases (no rsID available, gnomAD 0.0009%). This variant has not been reported in the literature in individuals affected with SHOC2-related conditions. ClinVar contains an entry for this variant (Variation ID: 1955903). Invitae Evidence Modeling of protein sequence and biophysical properties (such as structural, functional, and spatial information, amino acid conservation, physicochemical variation, residue mobility, and thermodynamic stability) indicates that this missense variant is not expected to disrupt SHOC2 protein function with a negative predictive value of 80%. In summary, the available evidence is currently insufficient to determine the role of this variant in disease. Therefore, it has been classified as a Variant of Uncertain Significance.